The following is an entry in ClinVar:

NM_177438.3(DICER1):c.5588A>G (p.Glu1863Gly)

Gene: DICER1 (dicer 1, ribonuclease III; minus strand). Cytogenetic location: 14q32.13.
Variant type: single nucleotide variant.
Coding change: c.5588A>G on transcript NM_177438.3 (MANE Select); coding-DNA position 5588, A replaced by G.
Protein change: p.Glu1863Gly; replaces glutamic acid 1863 with glycine.
Molecular consequence: missense variant. On other transcripts: non-coding transcript variant (6).
Genome position (GRCh38, 1-based): chr14:95,091,049, T>C on the plus strand (A>G on the coding strand, the complement: DICER1 is on the minus strand). VCF-style: chr14-95091049-T-C. GRCh37 (hg19) VCF-style: chr14-95557386-T-C.
Other names: c.5425A>G, p.Lys1809Glu (NM_001195573.1); c.5588A>G, p.Glu1863Gly (NM_001271282.3, NM_001291628.2, NM_001395677.1 and 8 more transcripts); c.5306A>G, p.Glu1769Gly (NM_001395686.1); c.5183A>G, p.Glu1728Gly (NM_001395687.1, NM_001395688.1, NM_001395689.1 and 1 more transcripts); c.5021A>G, p.Glu1674Gly (NM_001395691.1); c.3905A>G, p.Glu1302Gly (NM_001395697.1); short protein forms E1302G, E1674G, E1728G, E1769G, E1863G, K1809E.
Identifiers: ClinVar variation 3229438 (VCV003229438.1), dbSNP rs2542399800, ClinGen allele CA390864115.
Genomic context (GRCh38, chr14:95,091,049, plus strand): 5'-GATGTTTTTAAGTTAATGTTTTTTCCATGTACATTTTTTGCTTACCTAAATTTGGCAGTT[T>C]CTGGTTCCATTTCAAGCAATTCTCGCACAGGGGAACGGGGTACATTTGCAGAAAACTTTT-3'
Protein context (NP_803187.1, residues 1853-1873): PVRELLEMEP[Glu1863Gly]TAKFSPAERT

ClinVar aggregate classification (germline): Uncertain significance (1 of 4 stars; one submission).

Conditions:
Hereditary cancer-predisposing syndrome. Also called: Neoplastic Syndromes, Hereditary; Tumor predisposition; Hereditary neoplastic syndrome; Hereditary Cancer Syndrome. Identifiers: Orphanet 140162, MedGen C0027672, MeSH D009386, MONDO:0015356.

Submission:

Ambry Genetics
Classification: Uncertain significance for Hereditary cancer-predisposing syndrome. Last evaluated: 2024-02-28. Review status: criteria provided, single submitter. Criteria: Ambry Variant Classification Scheme 2023. Collection method: clinical testing. Allele origin: germline.
Comment: The p.E1863G variant (also known as c.5588A>G), located in coding exon 25 of the DICER1 gene, results from an A to G substitution at nucleotide position 5588. The glutamic acid at codon 1863 is replaced by glycine, an amino acid with similar properties. This amino acid position is conserved. In addition, this alteration is predicted to be deleterious by in silico analysis. Based on the available evidence, the clinical significance of this alteration remains unclear.